The following is an entry in ClinVar:

NM_004933.3(CDH15):c.171C>T (p.Asn57=)

Gene: CDH15 (cadherin 15; plus strand). Cytogenetic location: 16q24.3.
Variant type: single nucleotide variant.
Coding change: c.171C>T on transcript NM_004933.3 (MANE Select); coding-DNA position 171, C replaced by T.
Protein change: p.Asn57=; no amino-acid change (asparagine 57 retained).
Molecular consequence: synonymous variant.
Genome position (GRCh38, 1-based): chr16:89,179,544, C>T. VCF-style: chr16-89179544-C-T. GRCh37 (hg19) VCF-style: chr16-89245952-C-T.
Identifiers: ClinVar variation 128644 (VCV000128644.7), dbSNP rs148798647, ClinGen allele CA152228.

ClinVar aggregate classification (germline): Likely benign. Review status: criteria provided, single submitter (1 of 4 stars). 2 submissions from 2 submitters: Likely benign (1). 1 of the submissions does not count toward it.

Allele frequency attached by ClinVar (database versions not stated): 1000 Genomes Project 30x 0.00656; gnomAD 0.01128 and 0.01145; 1000 Genomes Project 0.00619; TOPMed 0.00843; gnomAD exomes 0.01370 and 0.01155; ESP Exome Variant Server 0.01147; ExAC 0.01215.
gnomAD v4.1: 21,452 of 1,608,072 alleles (1.3%); highest among the groups gnomAD compares: Non-Finnish European, 1.5%; 180 homozygotes.

Submissions (2):

Breakthrough Genomics
Classification: Likely benign. Review status: criteria provided, single submitter. Criteria: ACMG Guidelines, 2015. Collection method: not provided. Allele origin: germline. Inheritance: Autosomal dominant inheritance. Affected: yes.

Genetic Services Laboratory, University of Chicago
Classification: Likely benign for AllHighlyPenetrant. Review status: no assertion criteria provided. Collection method: clinical testing. Allele origin: germline. Inheritance: Autosomal dominant inheritance. Not counted in ClinVar's aggregate classification.
Comment: Likely benign based on allele frequency in 1000 Genomes Project or ESP global frequency and its presence in a patient with a rare or unrelated disease phenotype. NOT Sanger confirmed.